The following is an entry in ClinVar:

NM_080680.3(COL11A2):c.4642G>A (p.Asp1548Asn)

Gene: COL11A2 (collagen type XI alpha 2 chain; minus strand). Cytogenetic location: 6p21.32.
Variant type: single nucleotide variant.
Coding change: c.4642G>A on transcript NM_080680.3 (MANE Select); coding-DNA position 4642, G replaced by A.
Protein change: p.Asp1548Asn; replaces aspartic acid 1548 with asparagine.
Molecular consequence: missense variant.
Genome position (GRCh38, 1-based): chr6:33,165,657, C>T on the plus strand (G>A on the coding strand, the complement: COL11A2 is on the minus strand). VCF-style: chr6-33165657-C-T. GRCh37 (hg19) VCF-style: chr6-33133434-C-T.
Other names: c.4321G>A, p.Asp1441Asn (NM_080679.3); c.4384G>A, p.Asp1462Asn (NM_080681.3); short protein forms D1441N, D1462N, D1548N.
Identifiers: ClinVar variation 1302445 (VCV001302445.2), dbSNP rs370282196, ClinGen allele CA137062040.
Genomic context (GRCh38, chr6:33,165,657, plus strand): 5'-CAGGGCTGTCCTGGGTCCCTGTTGGCCGCCTCATCTGCTCGATCTCCTCCCGCAGGGAGT[C>T]GAGTGAGCCAAAGATCTCCTCCAGCCCCCCAGGACTGCCGGGGGCTCCCCCGGTCGGTAT-3'
Protein context (NP_542411.2, residues 1538-1558): GGLEEIFGSL[Asp1548Asn]SLREEIEQMR

ClinVar aggregate classification (germline): Uncertain significance (1 of 4 stars; one submission).

Allele frequency attached by ClinVar (database versions not stated): gnomAD exomes below 0.00001; gnomAD 0.00001; TOPMed 0.00001; ESP Exome Variant Server 0.00008.
gnomAD v4.1: 6 of 1,612,234 alleles (0.00037%); highest among the groups gnomAD compares: African/African-American, 0.0027%; no homozygotes.

Submission:

GeneDx
Classification: Uncertain significance. Last evaluated: 2019-08-30. Review status: criteria provided, single submitter. Criteria: GeneDx Variant Classification Process June 2021. Collection method: clinical testing. Allele origin: germline. Affected: yes.
Comment: Not observed in large population cohorts (Lek et al., 2016); In silico analysis, which includes protein predictors and evolutionary conservation, supports that this variant does not alter protein structure/function; Has not been previously published as pathogenic or benign to our knowledge